The following is an entry in ClinVar:

NM_001139498.2(FGF13):c.50-148652C>A

Gene: FGF13 (fibroblast growth factor 13; minus strand). Cytogenetic location: Xq26.3.
Variant type: single nucleotide variant.
Coding change: c.50-148652C>A on transcript NM_001139498.2; 148652 bases into the intron before coding-DNA position 50, C replaced by A.
Molecular consequence: intron variant. On other transcripts: missense variant (3).
Genome position (GRCh38, 1-based): chrX:138,857,580, G>T on the plus strand (C>A on the coding strand, the complement: FGF13 is on the minus strand). VCF-style: chrX-138857580-G-T. GRCh37 (hg19) VCF-style: chrX-137939742-G-T.
Other names: c.149C>A, p.Ala50Asp (NM_001139500.2); c.62C>A, p.Ala21Asp (NM_001139501.2, NM_001139502.2); short protein forms A21D, A50D.
Identifiers: ClinVar variation 3362062 (VCV003362062.1).

ClinVar aggregate classification (germline): Uncertain significance (1 of 4 stars; one submission).

Submission:

GeneDx
Classification: Uncertain significance. Last evaluated: 2023-06-01. Review status: criteria provided, single submitter. Criteria: GeneDx Variant Classification Process June 2021. Collection method: clinical testing. Allele origin: germline. Affected: yes.
Comment: Not observed at significant frequency in large population cohorts (gnomAD); In silico analysis supports that this missense variant has a deleterious effect on protein structure/function; Has not been previously published as pathogenic or benign to our knowledge; Reported using an alternate transcript of the gene